The following is an entry in ClinVar:

NM_023110.3(FGFR1):c.*494A>G

Gene: FGFR1 (fibroblast growth factor receptor 1; minus strand). Cytogenetic location: 8p11.23.
Variant type: single nucleotide variant.
Coding change: c.*494A>G on transcript NM_023110.3 (MANE Select); 494 bases downstream of the stop codon, A replaced by G.
Molecular consequence: 3 prime UTR variant. On other transcripts: intron variant (3).
Genome position (GRCh38, 1-based): chr8:38,413,134, T>C on the plus strand (A>G on the coding strand, the complement: FGFR1 is on the minus strand). VCF-style: chr8-38413134-T-C. GRCh37 (hg19) VCF-style: chr8-38270652-T-C.
Other names: c.*494A>G (NM_001174063.2, NM_001174064.2, NM_001174065.2 and 6 more transcripts); c.2020-539A>G (NM_001354370.2); c.2287-539A>G (NM_001354367.2); c.2281-539A>G (NM_001354369.2).
Identifiers: ClinVar variation 362883 (VCV000362883.5), dbSNP rs562843836, ClinGen allele CA10627726.

ClinVar aggregate classification (germline): Conflicting classifications of pathogenicity. Review status: criteria provided, conflicting classifications (1 of 4 stars). 4 submissions from 1 submitter: Uncertain significance (1); Benign (2); Likely benign (1). Last evaluated 2018-01-13.

Conditions:
Trigonocephaly 1 (TRIGNO1). Identifiers: Orphanet 3366, MedGen C0432122, MONDO:0008603, OMIM 190440.
Craniosynostosis syndrome. Also called: Craniosynostosis. Identifiers: Orphanet 1531, MedGen C0010278, MeSH D003398, MONDO:0015469, HP:0001363.
Osteoglophonic dysplasia (OGD). Also called: Osteoglophonic dwarfism. Identifiers: Orphanet 2645, MedGen C0432283, MONDO:0008150, OMIM 166250.
Hypogonadotropic hypogonadism 2 with or without anosmia (HH2). Also called: HYPOGONADOTROPIC HYPOGONADISM 2 WITH OR WITHOUT ANOSMIA, SUSCEPTIBILITY TO; HYPOGONADOTROPIC HYPOGONADISM 2 WITHOUT ANOSMIA, SUSCEPTIBILITY TO; FGFR1-Related GnRH Deficiency (Kallmann Syndrome 2); HYPOGONADOTROPIC HYPOGONADISM 2 WITHOUT ANOSMIA. Identifiers: Orphanet 478, MedGen C1563720, MONDO:0007844, OMIM 147950. Disease mechanism: loss of function.

Allele frequency attached by ClinVar (database versions not stated): gnomAD exomes 0.00011; 1000 Genomes Project 30x 0.00062; 1000 Genomes Project 0.00080.
gnomAD v4.1: 51 of 242,050 alleles (0.021%); highest among the groups gnomAD compares: South Asian, 0.77%; no homozygotes.

Submissions (4):

Illumina Laboratory Services, Illumina
Classification: Likely benign for Craniosynostosis. Last evaluated: 2018-01-13. Review status: criteria provided, single submitter. Criteria: ICSL Variant Classification Criteria 13 December 2019. Collection method: clinical testing. Allele origin: germline.
Comment: This variant was observed in the ICSL laboratory as part of a predisposition screen in an ostensibly healthy population. It had not been previously curated by ICSL or reported in the Human Gene Mutation Database (HGMD: prior to June 1st, 2018), and was therefore a candidate for classification through an automated scoring system. Utilizing variant allele frequency, disease prevalence and penetrance estimates, and inheritance mode, an automated score was calculated to assess if this variant is too frequent to cause the disease. Based on the score and internal cut-off values, a variant classified as likely benign is not then subjected to further curation. The score for this variant resulted in a classification of likely benign for this disease.

Illumina Laboratory Services, Illumina
Classification: Uncertain significance for Hypogonadotropic hypogonadism 2 with or without anosmia. Last evaluated: 2018-01-13. Review status: criteria provided, single submitter. Criteria: ICSL Variant Classification Criteria 13 December 2019. Collection method: clinical testing. Allele origin: germline.

Illumina Laboratory Services, Illumina
Classification: Benign for Osteoglophonic dysplasia. Last evaluated: 2018-01-13. Review status: criteria provided, single submitter. Criteria: ICSL Variant Classification Criteria 13 December 2019. Collection method: clinical testing. Allele origin: germline.
Comment: This variant was observed in the ICSL laboratory as part of a predisposition screen in an ostensibly healthy population. It had not been previously curated by ICSL or reported in the Human Gene Mutation Database (HGMD: prior to June 1st, 2018), and was therefore a candidate for classification through an automated scoring system. Utilizing variant allele frequency, disease prevalence and penetrance estimates, and inheritance mode, an automated score was calculated to assess if this variant is too frequent to cause the disease. Based on the score and internal cut-off values, a variant classified as benign is not then subjected to further curation. The score for this variant resulted in a classification of benign for this disease.

Illumina Laboratory Services, Illumina
Classification: Benign for Trigonocephaly 1. Last evaluated: 2018-01-13. Review status: criteria provided, single submitter. Criteria: ICSL Variant Classification Criteria 13 December 2019. Collection method: clinical testing. Allele origin: germline.
Comment: the same text as in the submission from Illumina Laboratory Services, Illumina above.